The following is an entry in ClinVar:

NM_004329.3(BMPR1A):c.1568A>G (p.Lys523Arg)

Gene: BMPR1A (bone morphogenetic protein receptor type 1A; plus strand). Cytogenetic location: 10q23.2.
Variant type: single nucleotide variant.
Coding change: c.1568A>G on transcript NM_004329.3 (MANE Select); coding-DNA position 1568, A replaced by G.
Protein change: p.Lys523Arg; replaces lysine 523 with arginine.
Molecular consequence: missense variant.
Genome position (GRCh38, 1-based): chr10:86,923,688, A>G. VCF-style: chr10-86923688-A-G. GRCh37 (hg19) VCF-style: chr10-88683445-A-G.
Other names: short protein forms K523R.
Identifiers: ClinVar variation 239858 (VCV000239858.16), dbSNP rs878854665, ClinGen allele CA10582752.
Genomic context (GRCh38, chr10:86,923,688, plus strand): 5'-GCTGGGCCCACAATCCAGCCTCCAGACTCACAGCATTGAGAATTAAGAAGACGCTTGCCA[A>G]GATGGTTGAATCCCAAGATGTAAAAATCTGATGGTTAAACCATCGGAGGAGAAACTCTAG-3'
Protein context (NP_004320.2, residues 513-532): TALRIKKTLA[Lys523Arg]MVESQDVKI

ClinVar aggregate classification (germline): Uncertain significance. Review status: criteria provided, multiple submitters, no conflicts (2 of 4 stars). 6 submissions from 6 submitters: Uncertain significance (6). Last evaluated 2025-01-06.

Conditions:
Juvenile polyposis syndrome (JPS). Identifiers: Orphanet 2929, MedGen C0345893, MONDO:0017380, OMIM 174900.
Hereditary cancer-predisposing syndrome. Also called: Neoplastic Syndromes, Hereditary; Tumor predisposition; Hereditary neoplastic syndrome; Hereditary Cancer Syndrome. Identifiers: Orphanet 140162, MedGen C0027672, MeSH D009386, MONDO:0015356.
Polyposis syndrome, hereditary mixed, 2. Identifiers: Orphanet 157794, MedGen C1864730, MONDO:0012405, OMIM 610069.

Allele frequency attached by ClinVar (database versions not stated): gnomAD exomes below 0.00001.

Submissions (6):

Labcorp Genetics (formerly Invitae), Labcorp
Classification: Uncertain significance for Juvenile polyposis syndrome. Last evaluated: 2025-01-06. Review status: criteria provided, single submitter. Criteria: Invitae Variant Classification Sherloc (09022015). Collection method: clinical testing. Allele origin: germline.
Comment: This sequence change replaces lysine, which is basic and polar, with arginine, which is basic and polar, at codon 523 of the BMPR1A protein (p.Lys523Arg). This variant is present in population databases (no rsID available, gnomAD 0.0009%). This missense change has been observed in individual(s) with ovarian cancer (PMID: 30093976). ClinVar contains an entry for this variant (Variation ID: 239858). Invitae Evidence Modeling of protein sequence and biophysical properties (such as structural, functional, and spatial information, amino acid conservation, physicochemical variation, residue mobility, and thermodynamic stability) indicates that this missense variant is not expected to disrupt BMPR1A protein function with a negative predictive value of 80%. In summary, the available evidence is currently insufficient to determine the role of this variant in disease. Therefore, it has been classified as a Variant of Uncertain Significance.

Ambry Genetics
Classification: Uncertain significance for Hereditary cancer-predisposing syndrome. Last evaluated: 2024-02-09. Review status: criteria provided, single submitter. Criteria: Ambry Variant Classification Scheme 2023. Collection method: clinical testing. Allele origin: germline.
Comment: The p.K523R variant (also known as c.1568A>G), located in coding exon 11 of the BMPR1A gene, results from an A to G substitution at nucleotide position 1568. The lysine at codon 523 is replaced by arginine, an amino acid with highly similar properties. This alteration has been reported as a variant of unknown significance in an individual with a personal history of ovarian cancer from a cohort of 1191 cancer index patients who underwent clinical evaluation and testing with multigene panels (Chan GHJ et al. Oncotarget, 2018 Jul;9:30649-30660). This amino acid position is highly conserved in available vertebrate species. In addition, this alteration is predicted to be tolerated by in silico analysis. Based on the available evidence, the clinical significance of this alteration remains unclear.

All of Us Research Program, National Institutes of Health
Classification: Uncertain significance for Juvenile polyposis syndrome. Last evaluated: 2023-12-13. Review status: criteria provided, single submitter. Criteria: ACMG Guidelines, 2015. Collection method: clinical testing. Allele origin: germline. Inheritance: Autosomal dominant inheritance. Observed: 1 variant allele, 1 heterozygote.
Comment: This missense variant replaces lysine with arginine at codon 523 of the BMPR1A protein. Computational prediction tools and conservation analyses are inconclusive regarding the impact of this variant on protein structure and function. Splice site prediction tools suggest that this variant may not impact RNA splicing. To our knowledge, functional studies have not been performed for this variant. This variant has not been reported in individuals affected with hereditary cancer in the literature. This variant has been identified in 1/251436 chromosomes in the general population by the Genome Aggregation Database (gnomAD). The available evidence is insufficient to determine the role of this variant in disease conclusively. Therefore, this variant is classified as a Variant of Uncertain Significance.

This study involves interpretation of variants in research participants for the purpose of population health screening. Participant phenotype was not available at the time of variant classification. Additional details can be found in publication PMID: 35346344, PMCID: PMC8962531

Baylor Genetics
Classification: Uncertain significance for Polyposis syndrome, hereditary mixed, 2. Last evaluated: 2023-09-28. Review status: criteria provided, single submitter. Criteria: ACMG Guidelines, 2015. Collection method: clinical testing. Allele origin: unknown.

GeneDx
Classification: Uncertain significance. Last evaluated: 2023-03-28. Review status: criteria provided, single submitter. Criteria: GeneDx Variant Classification Process June 2021. Collection method: clinical testing. Allele origin: germline. Affected: yes.
Comment: Not observed at significant frequency in large population cohorts (gnomAD); In silico analysis supports that this missense variant does not alter protein structure/function; Observed in an individual with ovarian cancer (Chan et al., 2018); This variant is associated with the following publications: (PMID: 30093976)

Sema4
Classification: Uncertain significance for Hereditary cancer-predisposing syndrome. Last evaluated: 2021-10-21. Review status: criteria provided, single submitter. Criteria: Sema4 Curation Guidelines. Collection method: curation. Allele origin: germline.
Comment: The BMPR1A c.1568A>G (p.K523R) variant has been reported in heterozygosity in at least one individual with ovarian cancer (PMID: 30093976). It was observed in 1/113742 chromosomes of the Non-Finnish European subpopulation in the large and broad cohorts of the Genome Aggregation Database (PMID: 32461654). The variant has been reported in ClinVar (Variation ID 239858). Functional studies have not been performed, and in silico predictions of the variant's effect on protein function are inconclusive. The evidence is insufficient to meet ACMG/AMP criteria for classifying the variant as benign or pathogenic. Thus, the clinical significance of this variant is currently uncertain.

Literature cited by the submitters: PubMed 30093976 (cited by 3 submitters).